The following is an entry in ClinVar:

ClinVar aggregate classification (germline): Likely pathogenic (1 of 4 stars; one submission).

Conditions:
Hereditary cancer-predisposing syndrome. Also called: Tumor predisposition; Neoplastic Syndromes, Hereditary; Hereditary Cancer Syndrome; Hereditary neoplastic syndrome. Identifiers: Orphanet 140162, MedGen C0027672, MeSH D009386, MONDO:0015356.

Submission:

Ambry Genetics
Classification: Likely pathogenic for Hereditary cancer-predisposing syndrome. Last evaluated: 2025-12-12. Review status: criteria provided, single submitter. Criteria: Ambry Variant Classification Scheme 2023. Collection method: clinical testing. Allele origin: germline.
Comment: The c.307+2T>A intronic variant results from a T to A substitution two nucleotides after coding exon 3 in the CDC73 gene. Alterations that disrupt the canonical splice site are expected to result in aberrant splicing. This nucleotide position is highly conserved in available vertebrate species. In silico splice site analysis predicts that this alteration will weaken the native splice donor site and will result in the creation or strengthening of a novel splice donor site. RNA studies have demonstrated that this alteration results in abnormal splicing in the set of samples tested (Ambry internal data). This variant is considered to be rare based on population cohorts in the Genome Aggregation Database (gnomAD). Based on the majority of available evidence to date, this variant is likely to be pathogenic.

NM_024529.5(CDC73):c.307+2T>A

Gene: CDC73 (cell division cycle 73; plus strand). Cytogenetic location: 1q31.2.
Variant type: single nucleotide variant.
Coding change: c.307+2T>A on transcript NM_024529.5 (MANE Select); the canonical splice donor site of the intron after coding-DNA position 307, T replaced by A.
Molecular consequence: splice donor variant.
Genome position (GRCh38, 1-based): chr1:193,130,245, T>A. VCF-style: chr1-193130245-T-A. GRCh37 (hg19) VCF-style: chr1-193099375-T-A.
Identifiers: ClinVar variation 3488519 (VCV003488519.2).